The following is an entry in ClinVar:

NM_001368894.2(PAX6):c.1074+1G>C

Gene: PAX6 (paired box 6; minus strand). Cytogenetic location: 11p13.
Variant type: single nucleotide variant.
Coding change: c.1074+1G>C on transcript NM_001368894.2 (MANE Select); the canonical splice donor site of the intron after coding-DNA position 1074, G replaced by C.
Molecular consequence: splice donor variant. On other transcripts: missense variant (1).
Genome position (GRCh38, 1-based): chr11:31,793,437, C>G on the plus strand (G>C on the coding strand, the complement: PAX6 is on the minus strand). VCF-style: chr11-31793437-C-G. GRCh37 (hg19) VCF-style: chr11-31814985-C-G.
Other names: c.1033G>C, p.Val345Leu (NM_001310159.1); c.1032+1G>C (NM_001127612.3, NM_001368890.2, NM_001368888.2 and 9 more transcripts); c.873+1G>C (NM_001368921.2, NM_001368923.2, NM_001368926.2 and 4 more transcripts); c.1074+1G>C (NM_001258462.3, NM_001310158.2, NM_001258463.2 and 6 more transcripts); c.1149+1G>C (NM_001368919.2, NM_001368918.2); c.1275+1G>C (NM_001368910.2); c.624+1G>C (NM_001368909.2, NM_001368904.2, NM_001368905.2 and 11 more transcripts); c.1077+1G>C (NM_001368911.2); and 3 more; short protein forms V345L.
Identifiers: ClinVar variation 1434660 (VCV001434660.7), dbSNP rs1950507886, ClinGen allele CA379955981.

ClinVar aggregate classification (germline): Pathogenic. Review status: criteria provided, multiple submitters, no conflicts (2 of 4 stars). 2 submissions from 2 submitters: Pathogenic (2). Last evaluated 2024-07-15.

Conditions:
Aniridia 1 (AN1). Identifiers: Orphanet 250923, MedGen C0344542, MONDO:0024507, OMIM 106210.
Irido-corneo-trabecular dysgenesis (ASGD5). Also called: ANTERIOR SEGMENT DYSGENESIS 5. Identifiers: Orphanet 708, MedGen C0344559, MONDO:0011414, OMIM 604229, HP:0000659.

Submissions (2):

Labcorp Genetics (formerly Invitae), Labcorp
Classification: Pathogenic for Aniridia 1; Irido-corneo-trabecular dysgenesis. Last evaluated: 2024-07-15. Review status: criteria provided, single submitter. Criteria: Invitae Variant Classification Sherloc (09022015). Collection method: clinical testing. Allele origin: germline.
Comment: This sequence change affects a donor splice site in intron 11 of the PAX6 gene. RNA analysis indicates that disruption of this splice site induces altered splicing and may result in an absent or altered protein product. This variant is not present in population databases (gnomAD no frequency). Disruption of this splice site has been observed in individual(s) with aniridia (PMID: 10234503, 27081561). ClinVar contains an entry for this variant (Variation ID: 1434660). Studies have shown that disruption of this splice site results in skipping of exon 11, and produces a non-functional protein and/or introduces a premature termination codon (PMID: 10234503). For these reasons, this variant has been classified as Pathogenic.

Institute of Human Genetics, University Hospital of Duesseldorf
Classification: Pathogenic for Aniridia 1. Review status: criteria provided, single submitter. Criteria: ACMG Guidelines, 2015. Collection method: not provided. Allele origin: germline. Inheritance: Autosomal dominant inheritance. Affected: yes.

Literature cited by the submitters: PubMed 10234503 (cited by Labcorp Genetics (formerly Invitae), Labcorp); PubMed 27081561 (cited by Labcorp Genetics (formerly Invitae), Labcorp).